The following is an entry in ClinVar:

NM_002439.5(MSH3):c.991A>G (p.Thr331Ala)

Genes: MSH3 (mutS homolog 3; plus strand), LOC126807437 (MED14-independent group 3 enhancer GRCh37_chr5:79968379-79969578; plus strand). Cytogenetic location: 5q14.1.
Variant type: single nucleotide variant.
Coding change: c.991A>G on transcript NM_002439.5 (MANE Select); coding-DNA position 991, A replaced by G.
Protein change: p.Thr331Ala; replaces threonine 331 with alanine.
Molecular consequence: missense variant.
Genome position (GRCh38, 1-based): chr5:80,672,822, A>G. VCF-style: chr5-80672822-A-G. GRCh37 (hg19) VCF-style: chr5-79968641-A-G.
Other names: short protein forms T331A.
Identifiers: ClinVar variation 3874971 (VCV003874971.1).
Genomic context (GRCh38, chr5:80,672,822, plus strand): 5'-GAAACTGCAGCATTAAAGGCCATTGGAGACAACAGAAGTTCACTCTTTTCCCGGAAATTG[A>G]CTGCCCTTTATACAAAATCTACACTTATTGGAGAAGATATCCTTTTTGGACGGGAGTTTT-3'
Protein context (NP_002430.3, residues 321-341): NRSSLFSRKL[Thr331Ala]ALYTKSTLIG

ClinVar aggregate classification (germline): Uncertain significance (1 of 4 stars; one submission).

Conditions:
Hereditary cancer-predisposing syndrome. Also called: Tumor predisposition; Neoplastic Syndromes, Hereditary; Hereditary Cancer Syndrome; Hereditary neoplastic syndrome. Identifiers: Orphanet 140162, MedGen C0027672, MeSH D009386, MONDO:0015356.

Submission:

Ambry Genetics
Classification: Uncertain significance for Hereditary cancer-predisposing syndrome. Last evaluated: 2025-01-29. Review status: criteria provided, single submitter. Criteria: Ambry Variant Classification Scheme 2023. Collection method: clinical testing. Allele origin: germline.
Comment: The p.T331A variant (also known as c.991A>G), located in coding exon 6 of the MSH3 gene, results from an A to G substitution at nucleotide position 991. The threonine at codon 331 is replaced by alanine, an amino acid with similar properties. This amino acid position is well conserved in available vertebrate species. In addition, the in silico prediction for this alteration is inconclusive. Based on the available evidence, the clinical significance of this variant remains unclear.